The following is an entry in ClinVar:

ClinVar aggregate classification (germline): Uncertain significance (1 of 4 stars; one submission).

Conditions:
Hereditary cancer-predisposing syndrome. Also called: Tumor predisposition; Hereditary Cancer Syndrome; Hereditary neoplastic syndrome; Neoplastic Syndromes, Hereditary. Identifiers: Orphanet 140162, MedGen C0027672, MeSH D009386, MONDO:0015356.

Submission:

Ambry Genetics
Classification: Uncertain significance for Hereditary cancer-predisposing syndrome. Last evaluated: 2025-11-21. Review status: criteria provided, single submitter. Criteria: Ambry Variant Classification Scheme 2023. Collection method: clinical testing. Allele origin: germline.
Comment: The p.A2V variant (also known as c.5C>T), located in coding exon 1 of the RET gene, results from a C to T substitution at nucleotide position 5. The alanine at codon 2 is replaced by valine, an amino acid with similar properties. This amino acid position is highly conserved in available vertebrate species. In addition, the in silico prediction for this alteration is inconclusive. Based on the available evidence, the clinical significance of this variant remains unclear.

NM_020975.6(RET):c.5C>T (p.Ala2Val)

Genes: RET (ret proto-oncogene; plus strand), LOC106736614 (RET 5' regulatory region; plus strand). Cytogenetic location: 10q11.21.
Variant type: single nucleotide variant.
Coding change: c.5C>T on transcript NM_020975.6 (MANE Select); coding-DNA position 5, C replaced by T.
Protein change: p.Ala2Val; replaces alanine 2 with valine.
Molecular consequence: missense variant.
Genome position (GRCh38, 1-based): chr10:43,077,263, C>T. VCF-style: chr10-43077263-C-T. GRCh37 (hg19) VCF-style: chr10-43572711-C-T.
Other names: c.5C>T, p.Ala2Val (NM_001406743.1, NM_001406744.1, NM_001406759.1 and 36 more transcripts); short protein forms A2V.
Identifiers: ClinVar variation 4545650 (VCV004545650.1).